The following is an entry in ClinVar:

NM_001195518.2(MICU1):c.640A>G (p.Thr214Ala)

Gene: MICU1 (mitochondrial calcium uptake 1; minus strand). Cytogenetic location: 10q22.1.
Variant type: single nucleotide variant.
Coding change: c.640A>G on transcript NM_001195518.2 (MANE Select); coding-DNA position 640, A replaced by G.
Protein change: p.Thr214Ala; replaces threonine 214 with alanine.
Molecular consequence: missense variant. On other transcripts: intron variant (1).
Genome position (GRCh38, 1-based): chr10:72,508,167, T>C on the plus strand (A>G on the coding strand, the complement: MICU1 is on the minus strand). VCF-style: chr10-72508167-T-C. GRCh37 (hg19) VCF-style: chr10-74267925-T-C.
Other names: c.658A>G, p.Thr220Ala (NM_001363513.2); c.646A>G, p.Thr216Ala (NM_006077.4); c.58+15635A>G (NM_001195519.2); short protein forms T214A, T216A, T220A.
Identifiers: ClinVar variation 1970630 (VCV001970630.5), dbSNP rs2495514957, ClinGen allele CA377393841.
Genomic context (GRCh38, chr10:72,508,167, plus strand): 5'-AGTCCTGTATCTGCTCTACAAATGGAAAAAGAAAACGTTTATACTTACTGGAAAGAACAG[T>C]TGTGAGGAAAATGTAGTCTGAAAAGGATATGAGCCCACATTCTCCAAGGGTGTAAAATAT-3'
Protein context (NP_001182447.1, residues 204-224): ISFSDYIFLT[Thr214Ala]VLSTPQRNFE

ClinVar aggregate classification (germline): Uncertain significance (1 of 4 stars; one submission).

gnomAD v4.1: 2 of 1,519,536 alleles (0.00013%); highest among the groups gnomAD compares: East Asian, 0.0023%; no homozygotes.

Submission:

Labcorp Genetics (formerly Invitae), Labcorp
Classification: Uncertain significance. Last evaluated: 2022-04-08. Review status: criteria provided, single submitter. Criteria: Invitae Variant Classification Sherloc (09022015). Collection method: clinical testing. Allele origin: germline.
Comment: In summary, the available evidence is currently insufficient to determine the role of this variant in disease. Therefore, it has been classified as a Variant of Uncertain Significance. Algorithms developed to predict the effect of missense changes on protein structure and function are either unavailable or do not agree on the potential impact of this missense change (SIFT: "Tolerated"; PolyPhen-2: "Not Available"; Align-GVGD: "Class C0"). This variant has not been reported in the literature in individuals affected with MICU1-related conditions. This variant is not present in population databases (gnomAD no frequency). This sequence change replaces threonine, which is neutral and polar, with alanine, which is neutral and non-polar, at codon 216 of the MICU1 protein (p.Thr216Ala).